The following is an entry in ClinVar:

NM_177438.3(DICER1):c.4206+6T>A

Gene: DICER1 (dicer 1, ribonuclease III; minus strand). Cytogenetic location: 14q32.13.
Variant type: single nucleotide variant.
Coding change: c.4206+6T>A on transcript NM_177438.3 (MANE Select); 6 bases into the intron after coding-DNA position 4206, T replaced by A.
Molecular consequence: intron variant.
Genome position (GRCh38, 1-based): chr14:95,099,774, A>T on the plus strand (T>A on the coding strand, the complement: DICER1 is on the minus strand). VCF-style: chr14-95099774-A-T. GRCh37 (hg19) VCF-style: chr14-95566111-A-T.
Other names: c.4206+6T>A (NM_001291628.2, NM_030621.4, NM_001395677.1 and 12 more transcripts); c.3801+6T>A (NM_001395690.1, NM_001395687.1, NM_001395689.1 and 2 more transcripts); c.3924+6T>A (NM_001395686.1); c.3639+6T>A (NM_001395691.1); c.2523+6T>A (NM_001395697.1).
Identifiers: ClinVar variation 2020168 (VCV002020168.4), dbSNP rs2542596950, ClinGen allele CA2580089213.

ClinVar aggregate classification (germline): Uncertain significance (1 of 4 stars; one submission).

Conditions:
DICER1-related tumor predisposition. Also called: DICER1 syndrome; DICER1-related pleuropulmonary blastoma cancer predisposition syndrome. Identifiers: Orphanet 284343, MedGen C3839822, MONDO:0100216.

Submission:

Labcorp Genetics (formerly Invitae), Labcorp
Classification: Uncertain significance for DICER1-related tumor predisposition. Last evaluated: 2023-07-06. Review status: criteria provided, single submitter. Criteria: Invitae Variant Classification Sherloc (09022015). Collection method: clinical testing. Allele origin: germline.
Comment: This sequence change falls in intron 22 of the DICER1 gene. It does not directly change the encoded amino acid sequence of the DICER1 protein. It affects a nucleotide within the consensus splice site. This variant is not present in population databases (gnomAD no frequency). This variant has not been reported in the literature in individuals affected with DICER1-related conditions. ClinVar contains an entry for this variant (Variation ID: 2020168). Variants that disrupt the consensus splice site are a relatively common cause of aberrant splicing (PMID: 17576681, 9536098). Algorithms developed to predict the effect of sequence changes on RNA splicing suggest that this variant is not likely to affect RNA splicing. In summary, the available evidence is currently insufficient to determine the role of this variant in disease. Therefore, it has been classified as a Variant of Uncertain Significance.

Literature cited by the submitters: PubMed 17576681; PubMed 9536098.